The following is an entry in ClinVar:

NM_178452.6(DNAAF1):c.575-119G>A

Gene: DNAAF1 (dynein axonemal assembly factor 1; plus strand). Cytogenetic location: 16q24.1.
Variant type: single nucleotide variant.
Coding change: c.575-119G>A on transcript NM_178452.6 (MANE Select); 119 bases into the intron before coding-DNA position 575, G replaced by A.
Molecular consequence: intron variant.
Genome position (GRCh38, 1-based): chr16:84,155,464, G>A. VCF-style: chr16-84155464-G-A. GRCh37 (hg19) VCF-style: chr16-84189069-G-A.
Identifiers: ClinVar variation 1707319 (VCV001707319.2), dbSNP rs545556398, ClinGen allele CA285505336.

ClinVar aggregate classification (germline): Likely benign (1 of 4 stars; one submission).

Allele frequency attached by ClinVar (database versions not stated): 1000 Genomes Project 30x 0.00109; TOPMed 0.00130; 1000 Genomes Project 0.00140; gnomAD 0.00236.
gnomAD v4.1: 2,904 of 1,194,812 alleles (0.24%); highest among the groups gnomAD compares: Non-Finnish European, 0.25%; 7 homozygotes.

Submission:

GeneDx
Classification: Likely benign. Last evaluated: 2020-06-16. Review status: criteria provided, single submitter. Criteria: GeneDx Variant Classification Process June 2021. Collection method: clinical testing. Allele origin: germline. Affected: yes.
Comment: See Variant Classification Assertion Criteria.